The following is an entry in ClinVar:

NM_002473.6(MYH9):c.4297C>T (p.Arg1433Cys)

Gene: MYH9 (myosin heavy chain 9; minus strand). Cytogenetic location: 22q12.3.
Variant type: single nucleotide variant.
Coding change: c.4297C>T on transcript NM_002473.6 (MANE Select); coding-DNA position 4297, C replaced by T.
Protein change: p.Arg1433Cys; replaces arginine 1433 with cysteine.
Molecular consequence: missense variant.
Genome position (GRCh38, 1-based): chr22:36,292,033, G>A on the plus strand (C>T on the coding strand, the complement: MYH9 is on the minus strand). VCF-style: chr22-36292033-G-A. GRCh37 (hg19) VCF-style: chr22-36688079-G-A.
Other names: c.4297C>T (NM_002473.5); short protein forms R1433C.
Identifiers: ClinVar variation 164438 (VCV000164438.14), dbSNP rs727503286, ClinGen allele CA177096.

ClinVar aggregate classification (germline): Conflicting classifications of pathogenicity. Review status: criteria provided, conflicting classifications (1 of 4 stars). 5 submissions from 4 submitters: Uncertain significance (4); Benign (1). Last evaluated 2026-09-15.

Conditions:
MYH9-related disorder. Identifiers: MedGen C1854520.
Autosomal dominant nonsyndromic hearing loss 17. Also called: Deafness, autosomal dominant 17; Autosomal dominant nonsyndromic deafness 17. Identifiers: Orphanet 90635, MedGen C1863659, MONDO:0011350, OMIM 603622.

Allele frequency attached by ClinVar (database versions not stated): gnomAD exomes 0.00002 and 0.00004; TOPMed 0.00003; ExAC 0.00004; gnomAD 0.00005.
gnomAD v4.1: 39 of 1,614,052 alleles (0.0024%); highest among the groups gnomAD compares: Middle Eastern, 0.016%; no homozygotes.

Submissions (5):

PreventionGenetics, part of Exact Sciences
Classification: Uncertain significance for MYH9-related condition. Last evaluated: 2026-09-15. Review status: criteria provided, single submitter. Criteria: ACMG Guidelines, 2015. Collection method: clinical testing. Allele origin: germline.
Comment: The MYH9 c.4297C>T variant is predicted to result in the amino acid substitution p.Arg1433Cys. This variant was reported in an individual with hearing loss whom also had potentially causative variants in other genes (Frohne et al. 2021. PubMed ID: 33710140). This variant is reported in 0.0062% of alleles in individuals of European (Non-Finnish) descent in gnomAD. At this time, the clinical significance of this variant is uncertain due to the absence of conclusive functional and genetic evidence.

Labcorp Genetics (formerly Invitae), Labcorp
Classification: Uncertain significance. Last evaluated: 2025-04-08. Review status: criteria provided, single submitter. Criteria: Invitae Variant Classification Sherloc (09022015). Collection method: clinical testing. Allele origin: germline.
Comment: This sequence change replaces arginine, which is basic and polar, with cysteine, which is neutral and slightly polar, at codon 1433 of the MYH9 protein (p.Arg1433Cys). This variant is present in population databases (rs727503286, gnomAD 0.007%). This missense change has been observed in individual(s) with autosomal dominant deafness (PMID: 33710140). ClinVar contains an entry for this variant (Variation ID: 164438). Invitae Evidence Modeling of protein sequence and biophysical properties (such as structural, functional, and spatial information, amino acid conservation, physicochemical variation, residue mobility, and thermodynamic stability) has been performed for this missense variant. However, the output from this modeling did not meet the statistical confidence thresholds required to predict the impact of this variant on MYH9 protein function. In summary, the available evidence is currently insufficient to determine the role of this variant in disease. Therefore, it has been classified as a Variant of Uncertain Significance.

Illumina Laboratory Services, Illumina
Classification: Benign for MYH9-related disorder. Last evaluated: 2018-01-13. Review status: criteria provided, single submitter. Criteria: ICSL Variant Classification Criteria 13 December 2019. Collection method: clinical testing. Allele origin: germline.
Comment: This variant was observed in the ICSL laboratory as part of a predisposition screen in an ostensibly healthy population. It had not been previously curated by ICSL or reported in the Human Gene Mutation Database (HGMD: prior to June 1st, 2018), and was therefore a candidate for classification through an automated scoring system. Utilizing variant allele frequency, disease prevalence and penetrance estimates, and inheritance mode, an automated score was calculated to assess if this variant is too frequent to cause the disease. Based on the score and internal cut-off values, a variant classified as benign is not then subjected to further curation. The score for this variant resulted in a classification of benign for this disease.

Illumina Laboratory Services, Illumina
Classification: Uncertain significance for Autosomal dominant nonsyndromic hearing loss 17. Last evaluated: 2018-01-13. Review status: criteria provided, single submitter. Criteria: ICSL Variant Classification Criteria 13 December 2019. Collection method: clinical testing. Allele origin: germline.

Laboratory for Molecular Medicine, Mass General Brigham Personalized Medicine
Classification: Uncertain significance. Last evaluated: 2014-07-29. Review status: criteria provided, single submitter. Criteria: LMM Criteria. Collection method: clinical testing. Allele origin: germline. Observed: 1 variant allele.
Comment: The Arg1433Cys variant in MYH9 has not been previously reported in individuals w ith hearing loss or in large population studies. Computational prediction tools and conservation analyses suggest that the Arg1433Cys variant may impact the pro tein, though this information is not predictive enough to determine pathogenicit y. In summary, the clinical significance of the Arg1433Cys variant is uncertain.

Literature cited by the submitters: PubMed 33710140 (cited by Labcorp Genetics (formerly Invitae), Labcorp).